The following is an entry in ClinVar:

ClinVar aggregate classification (germline): Uncertain significance (1 of 4 stars; one submission).

Allele frequency attached by ClinVar (database versions not stated): TOPMed below 0.00001.

Submission:

Labcorp Genetics (formerly Invitae), Labcorp
Classification: Uncertain significance. Last evaluated: 2023-09-22. Review status: criteria provided, single submitter. Criteria: Invitae Variant Classification Sherloc (09022015). Collection method: clinical testing. Allele origin: germline.
Comment: In summary, the available evidence is currently insufficient to determine the role of this variant in disease. Therefore, it has been classified as a Variant of Uncertain Significance. An algorithm developed to predict the effect of missense changes on protein structure and function (PolyPhen-2) suggests that this variant is likely to be tolerated. This variant has not been reported in the literature in individuals affected with DNM1L-related conditions. This variant is not present in population databases (gnomAD no frequency). This sequence change replaces lysine, which is basic and polar, with arginine, which is basic and polar, at codon 422 of the DNM1L protein (p.Lys422Arg).

NM_012062.5(DNM1L):c.1265A>G (p.Lys422Arg)

Gene: DNM1L (dynamin 1 like; plus strand). Cytogenetic location: 12p11.21.
Variant type: single nucleotide variant.
Coding change: c.1265A>G on transcript NM_012062.5 (MANE Select); coding-DNA position 1265, A replaced by G.
Protein change: p.Lys422Arg; replaces lysine 422 with arginine.
Molecular consequence: missense variant.
Genome position (GRCh38, 1-based): chr12:32,731,420, A>G. VCF-style: chr12-32731420-A-G. GRCh37 (hg19) VCF-style: chr12-32884354-A-G.
Other names: c.1265A>G, p.Lys422Arg (NM_001278463.2, NM_005690.5, NM_012063.4); c.1304A>G, p.Lys435Arg (NM_001278464.2, NM_001278465.2, NM_001330380.2); c.656A>G, p.Lys219Arg (NM_001278466.2); short protein forms K219R, K422R, K435R.
Identifiers: ClinVar variation 2744141 (VCV002744141.3), dbSNP rs992623773, ClinGen allele CA235195864.